The following is an entry in ClinVar:

ClinVar aggregate classification (germline): Benign/Likely benign. Review status: criteria provided, multiple submitters, no conflicts (2 of 4 stars). 5 submissions from 5 submitters: Benign (4); Likely benign (1). Last evaluated 2026-02-02.

Conditions:
Proteosome-associated autoinflammatory syndrome. Also called: Proteasome-associated autoinflammatory syndrome. Identifiers: Orphanet 324977, MedGen C1850568, MONDO:0009726.
Autoinflammatory syndrome. Identifiers: Orphanet 93665, MedGen C3890737, MONDO:0019751.
Proteasome-associated autoinflammatory syndrome 1 (PRAAS1). Also called: JOINT CONTRACTURES, MUSCULAR ATROPHY, MICROCYTIC ANEMIA, AND PANNICULITIS-INDUCED LIPODYSTROPHY; JMP SYNDROME; Nakajo syndrome; AUTOINFLAMMATION, LIPODYSTROPHY, AND DERMATOSIS SYNDROME; NAKAJO-NISHIMURA SYNDROME; CHRONIC ATYPICAL NEUTROPHILIC DERMATOSIS WITH LIPODYSTROPHY AND ELEVATED TEMPERATURE SYNDROME. Identifiers: Orphanet 2615, Orphanet 324977, Orphanet 324999, Orphanet 325004, MedGen C4746851, MONDO:0054698, OMIM 256040.

Allele frequency attached by ClinVar (database versions not stated): ExAC 0.00499; gnomAD 0.00752 and 0.00770; gnomAD exomes 0.00263 and 0.00450; TOPMed 0.00805; 1000 Genomes Project 0.00839; ESP Exome Variant Server 0.00924; 1000 Genomes Project 30x 0.00953.
gnomAD v4.1: 5,027 of 1,613,102 alleles (0.31%); highest among the groups gnomAD compares: African/African-American, 2.1%; 63 homozygotes.

Submissions (5):

Labcorp Genetics (formerly Invitae), Labcorp
Classification: Benign for Proteosome-associated autoinflammatory syndrome. Last evaluated: 2026-02-02. Review status: criteria provided, single submitter. Criteria: Invitae Variant Classification Sherloc (09022015). Collection method: clinical testing. Allele origin: germline.

Blueprint Genetics
Classification: Likely benign. Last evaluated: 2024-11-26. Review status: criteria provided, single submitter. Criteria: ACMG Guidelines, 2015. Collection method: clinical testing. Allele origin: germline.

Genome Diagnostics Laboratory, The Hospital for Sick Children
Classification: Benign for Autoinflammatory syndrome. Last evaluated: 2022-01-29. Review status: criteria provided, single submitter. Criteria: ACMG Guidelines, 2015. Collection method: clinical testing. Allele origin: germline. Affected: yes.

Mayo Clinic Laboratories, Mayo Clinic
Classification: Benign. Last evaluated: 2020-03-31. Review status: criteria provided, single submitter. Criteria: ACMG Guidelines, 2015. Collection method: clinical testing. Allele origin: germline. Observed: 16 variant alleles.

Illumina Laboratory Services, Illumina
Classification: Benign for Proteasome-associated autoinflammatory syndrome 1. Last evaluated: 2018-01-13. Review status: criteria provided, single submitter. Criteria: ICSL Variant Classification Criteria 13 December 2019. Collection method: clinical testing. Allele origin: germline.
Comment: This variant was observed in the ICSL laboratory as part of a predisposition screen in an ostensibly healthy population. It had not been previously curated by ICSL or reported in the Human Gene Mutation Database (HGMD: prior to June 1st, 2018), and was therefore a candidate for classification through an automated scoring system. Utilizing variant allele frequency, disease prevalence and penetrance estimates, and inheritance mode, an automated score was calculated to assess if this variant is too frequent to cause the disease. Based on the score and internal cut-off values, a variant classified as benign is not then subjected to further curation. The score for this variant resulted in a classification of benign for this disease.

NM_148919.4(PSMB8):c.222C>A (p.Thr74=)

Gene: PSMB8 (proteasome 20S subunit beta 8; minus strand). Cytogenetic location: 6p21.32.
Variant type: single nucleotide variant.
Coding change: c.222C>A on transcript NM_148919.4 (MANE Select); coding-DNA position 222, C replaced by A.
Protein change: p.Thr74=; no amino-acid change (threonine 74 retained).
Molecular consequence: synonymous variant.
Genome position (GRCh38, 1-based): chr6:32,843,015, G>T on the plus strand (C>A on the coding strand, the complement: PSMB8 is on the minus strand). VCF-style: chr6-32843015-G-T. GRCh37 (hg19) VCF-style: chr6-32810792-G-T.
Other names: p.Thr74=; c.210C>A, p.Thr70= (NM_004159.5, LRG_1328t2); c.222C>A, p.Thr74= (LRG_1328t1).
Identifiers: ClinVar variation 465421 (VCV000465421.20), dbSNP rs116638337, ClinGen allele CA3746459.